The following is an entry in ClinVar:

NM_004560.4(ROR2):c.1544G>A (p.Gly515Glu)

Gene: ROR2 (receptor tyrosine kinase like orphan receptor 2; minus strand). Cytogenetic location: 9q22.31.
Variant type: single nucleotide variant.
Coding change: c.1544G>A on transcript NM_004560.4 (MANE Select); coding-DNA position 1544, G replaced by A.
Protein change: p.Gly515Glu; replaces glycine 515 with glutamic acid.
Molecular consequence: missense variant.
Genome position (GRCh38, 1-based): chr9:91,724,950, C>T on the plus strand (G>A on the coding strand, the complement: ROR2 is on the minus strand). VCF-style: chr9-91724950-C-T. GRCh37 (hg19) VCF-style: chr9-94487232-C-T.
Other names: short protein forms G515E.
Identifiers: ClinVar variation 3686353 (VCV003686353.2).

ClinVar aggregate classification (germline): Uncertain significance (1 of 4 stars; one submission).

Submission:

Labcorp Genetics (formerly Invitae), Labcorp
Classification: Uncertain significance. Last evaluated: 2024-07-16. Review status: criteria provided, single submitter. Criteria: Invitae Variant Classification Sherloc (09022015). Collection method: clinical testing. Allele origin: germline.
Comment: This sequence change replaces glycine, which is neutral and non-polar, with glutamic acid, which is acidic and polar, at codon 515 of the ROR2 protein (p.Gly515Glu). This variant is not present in population databases (gnomAD no frequency). This variant has not been reported in the literature in individuals affected with ROR2-related conditions. Advanced modeling of protein sequence and biophysical properties (such as structural, functional, and spatial information, amino acid conservation, physicochemical variation, residue mobility, and thermodynamic stability) performed at Invitae indicates that this missense variant is not expected to disrupt ROR2 protein function with a negative predictive value of 80%. In summary, the available evidence is currently insufficient to determine the role of this variant in disease. Therefore, it has been classified as a Variant of Uncertain Significance.